The following is an entry in ClinVar:

ClinVar aggregate classification (germline): Uncertain significance. Review status: criteria provided, multiple submitters, no conflicts (2 of 4 stars). 2 submissions from 2 submitters: Uncertain significance (2). Last evaluated 2025-04-10.

Conditions:
Inborn genetic diseases. Identifiers: MedGen C0950123, MeSH D030342.
Bethlem myopathy 1A. Also called: Bethlem myopathy 1; MYOPATHY, BENIGN CONGENITAL, WITH CONTRACTURES; Bethlem Muscular Dystrophy. Identifiers: Orphanet 610, MedGen CN029274, MONDO:0024530, OMIM 158810.

Allele frequency attached by ClinVar (database versions not stated): TOPMed below 0.00001; gnomAD 0.00001.
gnomAD v4.1: 1 of 1,607,328 alleles (0.000062%); highest among the groups gnomAD compares: Non-Finnish European, 0.000085%; no homozygotes.

Submissions (2):

Ambry Genetics
Classification: Uncertain significance for Inborn genetic diseases. Last evaluated: 2025-04-10. Review status: criteria provided, single submitter. Criteria: Ambry Variant Classification Scheme 2023. Collection method: clinical testing. Allele origin: germline.

Labcorp Genetics (formerly Invitae), Labcorp
Classification: Uncertain significance for Bethlem myopathy 1A. Last evaluated: 2023-12-26. Review status: criteria provided, single submitter. Criteria: Invitae Variant Classification Sherloc (09022015). Collection method: clinical testing. Allele origin: germline.
Comment: This sequence change replaces aspartic acid, which is acidic and polar, with histidine, which is basic and polar, at codon 21 of the COL6A1 protein (p.Asp21His). This variant is not present in population databases (gnomAD no frequency). This variant has not been reported in the literature in individuals affected with COL6A1-related conditions. Advanced modeling of protein sequence and biophysical properties (such as structural, functional, and spatial information, amino acid conservation, physicochemical variation, residue mobility, and thermodynamic stability) performed at Invitae indicates that this missense variant is not expected to disrupt COL6A1 protein function with a negative predictive value of 95%. In summary, the available evidence is currently insufficient to determine the role of this variant in disease. Therefore, it has been classified as a Variant of Uncertain Significance.

NM_001848.3(COL6A1):c.61G>C (p.Asp21His)

Gene: COL6A1 (collagen type VI alpha 1 chain; plus strand). Cytogenetic location: 21q22.3.
Variant type: single nucleotide variant.
Coding change: c.61G>C on transcript NM_001848.3 (MANE Select); coding-DNA position 61, G replaced by C.
Protein change: p.Asp21His; replaces aspartic acid 21 with histidine.
Molecular consequence: missense variant.
Genome position (GRCh38, 1-based): chr21:45,981,911, G>C. VCF-style: chr21-45981911-G-C. GRCh37 (hg19) VCF-style: chr21-47401825-G-C.
Other names: short protein forms D21H.
Identifiers: ClinVar variation 2887538 (VCV002887538.4), dbSNP rs1421011932, ClinGen allele CA410513960.